The following is an entry in ClinVar:

NM_002878.4(RAD51D):c.954G>A (p.Glu318=)

Genes: RAD51L3-RFFL (RAD51L3-RFFL readthrough; minus strand), RAD51D (RAD51 paralog D; minus strand). Cytogenetic location: 17q12.
Variant type: single nucleotide variant.
Coding change: c.954G>A on transcript NM_002878.4 (MANE Select); coding-DNA position 954, G replaced by A.
Protein change: p.Glu318=; no amino-acid change (glutamic acid 318 retained).
Molecular consequence: synonymous variant. On other transcripts: non-coding transcript variant (2).
Genome position (GRCh38, 1-based): chr17:35,100,986, C>T on the plus strand (G>A on the coding strand, the complement: RAD51D is on the minus strand). VCF-style: chr17-35100986-C-T. GRCh37 (hg19) VCF-style: chr17-33428005-C-T.
Other names: c.1014G>A, p.Glu338= (NM_001142571.2); c.618G>A, p.Glu206= (NM_133629.3).
Identifiers: ClinVar variation 229668 (VCV000229668.12), dbSNP rs876658131, ClinGen allele CA10580437.
Genomic context (GRCh38, chr17:35,100,986, plus strand): 5'-TCCCTGTTTCCCAAACAACAGCACAGGTCATGTCTGATCACCCTGTAATGTGGCACTCTG[C>T]TCTGAGGTCCCCCAGGTCCCAATGTCTACCATCTCCTGGAAACCTGTTGGCTGGAAGAAG-3'
Protein context (NP_002869.3, residues 308-328): MVDIGTWGTS[Glu318=]QSATLQGDQT

ClinVar aggregate classification (germline): Benign/Likely benign. Review status: criteria provided, multiple submitters, no conflicts (2 of 4 stars). 3 submissions from 3 submitters: Benign (1); Likely benign (2). Last evaluated 2025-02-25.

Conditions:
Hereditary cancer-predisposing syndrome. Also called: Hereditary neoplastic syndrome; Hereditary Cancer Syndrome; Neoplastic Syndromes, Hereditary; Tumor predisposition. Identifiers: Orphanet 140162, MedGen C0027672, MeSH D009386, MONDO:0015356.
Breast-ovarian cancer, familial, susceptibility to, 4. Identifiers: Orphanet 145, MedGen C3280345, MONDO:0013669, OMIM 614291.

Submissions (3):

Myriad Genetics, Inc.
Classification: Benign for Breast-ovarian cancer, familial, susceptibility to, 4. Last evaluated: 2025-02-25. Review status: criteria provided, single submitter. Criteria: Myriad Autosomal Dominant, Autosomal Recessive and X-Linked Classification Criteria (2023). Collection method: clinical testing. Allele origin: unknown.
Comment: This variant is considered benign. This variant is a silent/synonymous amino acid change and it is not expected to impact splicing.

Labcorp Genetics (formerly Invitae), Labcorp
Classification: Likely benign for Breast-ovarian cancer, familial, susceptibility to, 4. Last evaluated: 2024-08-03. Review status: criteria provided, single submitter. Criteria: Invitae Variant Classification Sherloc (09022015). Collection method: clinical testing. Allele origin: germline.

Ambry Genetics
Classification: Likely benign for Hereditary cancer-predisposing syndrome. Last evaluated: 2014-01-16. Review status: criteria provided, single submitter. Criteria: Ambry Autosomal Dominant and X-Linked criteria (10/2015). Collection method: clinical testing. Allele origin: germline. Observed: 1 variant allele.